The following is an entry in ClinVar:

NM_032130.3(FAM186B):c.2135A>G (p.His712Arg)

Gene: FAM186B (family with sequence similarity 186 member B; minus strand). Cytogenetic location: 12q13.12.
Variant type: single nucleotide variant.
Coding change: c.2135A>G on transcript NM_032130.3 (MANE Select); coding-DNA position 2135, A replaced by G.
Protein change: p.His712Arg; replaces histidine 712 with arginine.
Molecular consequence: missense variant. On other transcripts: non-coding transcript variant (1).
Genome position (GRCh38, 1-based): chr12:49,599,505, T>C on the plus strand (A>G on the coding strand, the complement: FAM186B is on the minus strand). VCF-style: chr12-49599505-T-C. GRCh37 (hg19) VCF-style: chr12-49993288-T-C.
Other names: short protein forms H712R.
Identifiers: ClinVar variation 2055415 (VCV002055415.4), dbSNP rs997948557, ClinGen allele CA236674359.

ClinVar aggregate classification (germline): Uncertain significance (1 of 4 stars; one submission).

Allele frequency attached by ClinVar (database versions not stated): gnomAD exomes below 0.00001; TOPMed below 0.00001; gnomAD 0.00001.
gnomAD v4.1: 8 of 1,568,058 alleles (0.00051%); highest among the groups gnomAD compares: African/African-American, 0.0055%; no homozygotes.

Submission:

Labcorp Genetics (formerly Invitae), Labcorp
Classification: Uncertain significance. Last evaluated: 2022-09-13. Review status: criteria provided, single submitter. Criteria: Invitae Variant Classification Sherloc (09022015). Collection method: clinical testing. Allele origin: germline.
Comment: This sequence change replaces histidine, which is basic and polar, with arginine, which is basic and polar, at codon 712 of the FAM186B protein (p.His712Arg). This variant is present in population databases (no rsID available, gnomAD 0.008%). This variant has not been reported in the literature in individuals affected with FAM186B-related conditions. Algorithms developed to predict the effect of missense changes on protein structure and function output the following: SIFT: "Not Available"; PolyPhen-2: "Benign"; Align-GVGD: "Not Available". The arginine amino acid residue is found in multiple mammalian species, which suggests that this missense change does not adversely affect protein function. Algorithms developed to predict the effect of sequence changes on RNA splicing suggest that this variant may disrupt the consensus splice site. In summary, the available evidence is currently insufficient to determine the role of this variant in disease. Therefore, it has been classified as a Variant of Uncertain Significance.